The following is an entry in ClinVar:

NM_018075.5(ANO10):c.277_285delinsCTTTT (p.Asn93fs)

Gene: ANO10 (anoctamin 10; minus strand). Cytogenetic location: 3p21.33.
Variant type: Indel.
Coding change: c.277_285delinsCTTTT on transcript NM_018075.5 (MANE Select); coding-DNA positions 277 to 285, AATGATAAC replaced by CTTTT.
Protein change: p.Asn93fs; shifts the reading frame from asparagine 93.
Molecular consequence: frameshift variant. On other transcripts: intron variant (4).
Genome position (GRCh38, 1-based): chr3:43,600,436-43,600,444, GTTATCATT replaced by AAAAG on the plus strand (AATGATAAC replaced by CTTTT on the coding strand, the reverse complement: ANO10 is on the minus strand). VCF-style: chr3-43600436-GTTATCATT-AAAAG. GRCh37 (hg19) VCF-style: chr3-43641928-GTTATCATT-AAAAG.
Other names: c.277_285delinsCTTTT, p.Asn93fs (NM_001204831.3, NM_001204834.3, NM_001346463.2 and 4 more transcripts); c.140-1778_140-1770delinsCTTTT (NM_001346469.2, NM_001204832.3, NM_001346466.2); c.139+5270_139+5278delinsCTTTT (NM_001204833.3); short protein forms N93fs.
Identifiers: ClinVar variation 5004101 (VCV005004101.1).
Genomic context (GRCh38, chr3:43,600,436, plus strand): 5'-GGGCTTACCATCAAAACCTTTGAAGTTCTGTCTGGTTCTGTATGTGAAGGCTCTCATGGT[GTTATCATT>AAAAG]GCACTCTTTTACCAATCCCACTGCTTCTGCCCCTAGTAACATTCTAATCTTGGAGGCACC-3'

ClinVar aggregate classification (germline): Pathogenic (1 of 4 stars; one submission).

Conditions:
Autosomal recessive spinocerebellar ataxia 10. Identifiers: Orphanet 284289, MedGen C3150998, MONDO:0013392, OMIM 613728.

Submission:

Myriad Genetics, Inc.
Classification: Pathogenic for Autosomal recessive spinocerebellar ataxia 10. Last evaluated: 2025-08-01. Review status: criteria provided, single submitter. Criteria: Myriad Autosomal Dominant, Autosomal Recessive and X-Linked Classification Criteria (2023). Collection method: clinical testing. Allele origin: unknown.
Comment: NM_018075.3(ANO10):c.277_285del9ins5(N93Lfs*4) is a frameshift variant classified as pathogenic in the context of spinocerebellar ataxia, ANO10-related. N93Lfs*4 has not been observed in cases with relevant disease. Relevant functional assessments of this variant are not available in the literature. N93Lfs*4 has not been observed in referenced population frequency databases. In summary, NM_018075.3(ANO10):c.277_285del9ins5(N93Lfs*4) is a frameshift variant in a gene where loss of function is a known mechanism of disease and is predicted to disrupt protein function. Please note: this variant was assessed in the context of healthy population screening.